The following is an entry in ClinVar:

ClinVar aggregate classification (germline): Uncertain significance (1 of 4 stars; one submission).

Conditions:
Tuberous sclerosis 2 (TSC2). Identifiers: Orphanet 805, MedGen C1860707, MONDO:0013199, OMIM 613254.

Allele frequency attached by ClinVar (database versions not stated): gnomAD exomes below 0.00001.
gnomAD v4.1: 1 of 1,613,942 alleles (0.000062%); highest among the groups gnomAD compares: Non-Finnish European, 0.000085%; no homozygotes.

Submission:

Labcorp Genetics (formerly Invitae), Labcorp
Classification: Uncertain significance for Tuberous sclerosis 2. Last evaluated: 2022-04-05. Review status: criteria provided, single submitter. Criteria: Invitae Variant Classification Sherloc (09022015). Collection method: clinical testing. Allele origin: germline.
Comment: This variant is not present in population databases (gnomAD no frequency). This variant has not been reported in the literature in individuals affected with TSC2-related conditions. Algorithms developed to predict the effect of sequence changes on RNA splicing suggest that this variant may create or strengthen a splice site. In summary, the available evidence is currently insufficient to determine the role of this variant in disease. Therefore, it has been classified as a Variant of Uncertain Significance. This sequence change falls in intron 10 of the TSC2 gene. It does not directly change the encoded amino acid sequence of the TSC2 protein.

NM_000548.5(TSC2):c.976-19G>A

Gene: TSC2 (TSC complex subunit 2; plus strand). Cytogenetic location: 16p13.3.
Variant type: single nucleotide variant.
Coding change: c.976-19G>A on transcript NM_000548.5 (MANE Select); 19 bases into the intron before coding-DNA position 976, G replaced by A.
Molecular consequence: intron variant.
Genome position (GRCh38, 1-based): chr16:2,060,651, G>A. VCF-style: chr16-2060651-G-A. GRCh37 (hg19) VCF-style: chr16-2110652-G-A.
Other names: c.976-19G>A (NM_001114382.3, NM_021055.3, NM_001370405.1 and 3 more transcripts); c.865-19G>A (NM_001318827.2); c.376-19G>A (NM_001318831.2); c.829-19G>A (NM_001318829.2); c.1009-19G>A (NM_001318832.2).
Identifiers: ClinVar variation 2121731 (VCV002121731.4), dbSNP rs2151133698, ClinGen allele CA2580090675.
Genomic context (GRCh38, chr16:2,060,651, plus strand): 5'-GTCCCAAGGGTGACTGGGAGGGCGTCCCACAGCAAGCAAGCAGCTCTGACCCTGTGTGCT[G>A]GCCGGGCTCGTGTTCCAGGCCATGGCATGTCCGAACGAGGTGGTGTCCTATGAGATCGTC-3'